The following is an entry in ClinVar:

ClinVar aggregate classification (germline): Benign (1 of 4 stars; one submission).

Allele frequency attached by ClinVar (database versions not stated): TOPMed 0.00097; gnomAD 0.00098; gnomAD exomes 0.00117.
gnomAD v4.1: 435 of 398,524 alleles (0.11%); highest among the groups gnomAD compares: Non-Finnish European, 0.16%; 1 homozygote.

Submission:

CeGaT Center for Human Genetics Tuebingen
Classification: Benign. Last evaluated: 2025-06-01. Review status: criteria provided, single submitter. Criteria: CeGaT Center For Human Genetics Tuebingen Variant Classification Criteria Version 2. Collection method: clinical testing. Allele origin: germline. Affected: yes. Observed: 5 variant alleles.
Comment: KCNQ1OT1: BS1, BS2

NM_000218.3(KCNQ1):c.1514+36900C>T

Genes: KCNQ1 (potassium voltage-gated channel subfamily Q member 1; plus strand), KCNQ1OT1 (KCNQ1 opposite strand/antisense transcript 1; minus strand). Cytogenetic location: 11p15.5.
Variant type: single nucleotide variant.
Coding change: c.1514+36900C>T on transcript NM_000218.3 (MANE Select); 36900 bases into the intron after coding-DNA position 1514, C replaced by T.
Molecular consequence: intron variant.
Genome position (GRCh38, 1-based): chr11:2,698,981, C>T. VCF-style: chr11-2698981-C-T. GRCh37 (hg19) VCF-style: chr11-2720211-C-T.
Other names: c.1244+36900C>T (NM_001406837.1); c.1418+36900C>T (NM_001406836.1); c.974+36900C>T (NM_001406838.1); c.1133+36900C>T (NM_181798.2).
Identifiers: ClinVar variation 2498500 (VCV002498500.28), dbSNP rs577035818, ClinGen allele CA216197823.
Genomic context (GRCh38, chr11:2,698,981, plus strand): 5'-CCCTAGACCCGAATTCTGATCCCAACTAGGATACCTAACTCAGAACCACAACGGGGATTC[C>T]CACCTCCGATCCTAATTCGGGCCCTGACTCAGAACCACTAAGTGGATTTCCGACTCCGGT-3'